The following is an entry in ClinVar:

NM_000124.4(ERCC6):c.3289A>G (p.Met1097Val)

Gene: ERCC6 (ERCC excision repair 6, chromatin remodeling factor; minus strand). Cytogenetic location: 10q11.23.
Variant type: single nucleotide variant.
Coding change: c.3289A>G on transcript NM_000124.4 (MANE Select); coding-DNA position 3289, A replaced by G.
Protein change: p.Met1097Val; replaces methionine 1097 with valine.
Molecular consequence: missense variant.
Genome position (GRCh38, 1-based): chr10:49,470,671, T>C on the plus strand (A>G on the coding strand, the complement: ERCC6 is on the minus strand). VCF-style: chr10-49470671-T-C. GRCh37 (hg19) VCF-style: chr10-50678717-T-C.
Other names: c.3289A>G, p.Met1097Val (NM_001346440.2); short protein forms M1097V.
Identifiers: ClinVar variation 129016 (VCV000129016.31), dbSNP rs2228526, ClinGen allele CA090900.

ClinVar aggregate classification (germline): Benign/Likely benign. Review status: criteria provided, multiple submitters, no conflicts (2 of 4 stars). 12 submissions from 12 submitters: Benign (6); Likely benign (2). 4 of the submissions do not count toward it. Last evaluated 2026-02-04.

Allele frequency attached by ClinVar (database versions not stated): 1000 Genomes Project 30x 0.17926; TOPMed 0.17985; 1000 Genomes Project 0.18251; gnomAD 0.19072 and 0.19557; ESP Exome Variant Server 0.19091; gnomAD exomes 0.20996 and 0.21706; ExAC 0.21856.

Submissions (16):

Labcorp Genetics (formerly Invitae), Labcorp
Classification: Benign. Last evaluated: 2026-02-04. Review status: criteria provided, single submitter. Criteria: Invitae Variant Classification Sherloc (09022015). Collection method: clinical testing. Allele origin: germline.

Blueprint Genetics
Classification: Benign. Last evaluated: 2024-11-27. Review status: criteria provided, single submitter. Criteria: ACMG Guidelines, 2015. Collection method: clinical testing. Allele origin: germline.

Women's Health and Genetics/Laboratory Corporation of America, LabCorp
Classification: Likely benign. Last evaluated: 2021-12-03. Review status: criteria provided, single submitter. Criteria: LabCorp Variant Classification Summary - May 2015. Collection method: clinical testing. Allele origin: germline.

GeneDx
Classification: Benign. Last evaluated: 2019-01-10. Review status: criteria provided, single submitter. Criteria: GeneDx Variant Classification Process June 2021. Collection method: clinical testing. Allele origin: germline. Affected: yes.
Comment: This variant is associated with the following publications: (PMID: 17438655)

Eurofins Ntd Llc (ga)
Classification: Benign. Last evaluated: 2014-12-05. Review status: criteria provided, single submitter. Criteria: EGL Classification Definitions 2015. Collection method: clinical testing. Allele origin: germline. Observed: 2 variant alleles, 2 heterozygotes.

Claritas Genomics
Classification: Benign. Last evaluated: 2012-06-29. Review status: criteria provided, single submitter. Criteria: ACMG Guidelines, 2007. Collection method: clinical testing. Allele origin: germline. Inheritance: Autosomal recessive inheritance.

Breakthrough Genomics
Classification: Likely benign. Review status: criteria provided, single submitter. Criteria: ACMG Guidelines, 2015. Collection method: not provided. Allele origin: germline. Inheritance: Autosomal recessive inheritance. Affected: yes.

PreventionGenetics, part of Exact Sciences
Classification: Benign. Review status: criteria provided, single submitter. Criteria: ACMG Guidelines, 2015. Collection method: clinical testing. Allele origin: germline.

Clinical Genetics DNA and cytogenetics Diagnostics Lab, Erasmus MC, Erasmus Medical Center
Classification: Benign. Review status: no assertion criteria provided. Collection method: clinical testing. Allele origin: germline. Affected: yes. Study: VKGL Data-share Consensus. Not counted in ClinVar's aggregate classification.

Diagnostic Laboratory, Department of Genetics, University Medical Center Groningen
Classification: Benign. Review status: no assertion criteria provided. Collection method: clinical testing. Allele origin: germline. Affected: yes. Study: VKGL Data-share Consensus. Not counted in ClinVar's aggregate classification.

Dr. Peter K. Rogan Lab, Western University
No classification provided (evidence only). Condition: Malignant lymphoma, large B-cell, diffuse. Review status: no classification provided. Collection method: in vitro. Allele origin: not applicable. Functional consequence: retained intron. Not counted in ClinVar's aggregate classification.

Dr. Peter K. Rogan Lab, Western University
No classification provided (evidence only). Condition: Malignant lymphoma, large B-cell, diffuse. Review status: no classification provided. Collection method: in vitro. Allele origin: not applicable. Functional consequence: retained intron. Not counted in ClinVar's aggregate classification.

Dr. Peter K. Rogan Lab, Western University
No classification provided (evidence only). Condition: Uterine carcinosarcoma. Review status: no classification provided. Collection method: in vitro. Allele origin: not applicable. Functional consequence: retained intron. Not counted in ClinVar's aggregate classification.

Dr. Peter K. Rogan Lab, Western University
No classification provided (evidence only). Condition: Uterine carcinosarcoma. Review status: no classification provided. Collection method: in vitro. Allele origin: not applicable. Functional consequence: retained intron. Not counted in ClinVar's aggregate classification.

Genetic Services Laboratory, University of Chicago
Classification: Likely benign for AllHighlyPenetrant. Review status: no assertion criteria provided. Collection method: clinical testing. Allele origin: germline. Not counted in ClinVar's aggregate classification.
Comment: Likely benign based on allele frequency in 1000 Genomes Project or ESP global frequency and its presence in a patient with a rare or unrelated disease phenotype. NOT Sanger confirmed.

Joint Genome Diagnostic Labs from Nijmegen and Maastricht, Radboudumc and MUMC+
Classification: Benign. Review status: no assertion criteria provided. Collection method: clinical testing. Allele origin: germline. Affected: yes. Study: VKGL Data-share Consensus. Not counted in ClinVar's aggregate classification.